The following is an entry in ClinVar:

NM_006885.4(ZFHX3):c.5355G>C (p.Glu1785Asp)

Genes: ZFHX3 (zinc finger homeobox 3; minus strand), ZFHX3-AS1 (ZFHX3 antisense RNA 1; plus strand). Cytogenetic location: 16q22.2.
Variant type: single nucleotide variant.
Coding change: c.5355G>C on transcript NM_006885.4 (MANE Select); coding-DNA position 5355, G replaced by C.
Protein change: p.Glu1785Asp; replaces glutamic acid 1785 with aspartic acid.
Molecular consequence: missense variant.
Genome position (GRCh38, 1-based): chr16:72,797,327, C>G on the plus strand (G>C on the coding strand, the complement: ZFHX3 is on the minus strand). VCF-style: chr16-72797327-C-G. GRCh37 (hg19) VCF-style: chr16-72831226-C-G.
Other names: c.2613G>C, p.Glu871Asp (NM_001164766.2); c.5355G>C, p.Glu1785Asp (NM_001386735.1); short protein forms E1785D, E871D.
Identifiers: ClinVar variation 4975575 (VCV004975575.1).

ClinVar aggregate classification (germline): Uncertain significance (1 of 4 stars; one submission).

Submission:

GeneDx
Classification: Uncertain significance. Last evaluated: 2026-02-02. Review status: criteria provided, single submitter. Criteria: GeneDx Variant Classification Process June 2021. Collection method: clinical testing. Allele origin: germline.
Comment: Not observed at significant frequency in large population cohorts (gnomAD); In silico analysis suggests that this missense variant does not alter protein structure/function; Has not been previously published as pathogenic or benign to our knowledge